The following is an entry in ClinVar:

NM_001378120.1(MBD5):c.4823T>G (p.Leu1608Trp)

Gene: MBD5 (methyl-CpG binding domain protein 5; plus strand). Cytogenetic location: 2q23.1.
Variant type: single nucleotide variant.
Coding change: c.4823T>G on transcript NM_001378120.1 (MANE Select); coding-DNA position 4823, T replaced by G.
Protein change: p.Leu1608Trp; replaces leucine 1608 with tryptophan.
Molecular consequence: missense variant.
Genome position (GRCh38, 1-based): chr2:148,490,455, T>G. VCF-style: chr2-148490455-T-G. GRCh37 (hg19) VCF-style: chr2-149248024-T-G.
Other names: c.4124T>G, p.Leu1375Trp (NM_018328.5); short protein forms L1375W, L1608W.
Identifiers: ClinVar variation 3726057 (VCV003726057.2).

ClinVar aggregate classification (germline): Uncertain significance (1 of 4 stars; one submission).

Conditions:
Intellectual developmental disorder, autosomal dominant 1. Also called: MBD5 Haploinsufficiency; Intellectual disability, autosomal dominant 1. Identifiers: Orphanet 228402, MedGen C1969562, MONDO:0007974, OMIM 156200.

Submission:

Labcorp Genetics (formerly Invitae), Labcorp
Classification: Uncertain significance for Intellectual developmental disorder, autosomal dominant 1. Last evaluated: 2025-11-05. Review status: criteria provided, single submitter. Criteria: Invitae Variant Classification Sherloc (09022015). Collection method: clinical testing. Allele origin: germline.
Comment: This sequence change replaces leucine, which is neutral and non-polar, with tryptophan, which is neutral and slightly polar, at codon 1375 of the MBD5 protein (p.Leu1375Trp). This variant is not present in population databases (gnomAD no frequency). This variant has not been reported in the literature in individuals affected with MBD5-related conditions. ClinVar contains an entry for this variant (Variation ID: 3726057). Experimental studies and prediction algorithms are not available or were not evaluated, and the functional significance of this variant is currently unknown. In summary, the available evidence is currently insufficient to determine the role of this variant in disease. Therefore, it has been classified as a Variant of Uncertain Significance.